The following is an entry in ClinVar:

NM_000051.4(ATM):c.7276C>T (p.Leu2426Phe)

Genes: ATM (ATM serine/threonine kinase; plus strand), C11orf65 (chromosome 11 open reading frame 65; minus strand). Cytogenetic location: 11q22.3.
Variant type: single nucleotide variant.
Coding change: c.7276C>T on transcript NM_000051.4 (MANE Select); coding-DNA position 7276, C replaced by T.
Protein change: p.Leu2426Phe; replaces leucine 2426 with phenylalanine.
Molecular consequence: missense variant. On other transcripts: intron variant (2).
Genome position (GRCh38, 1-based): chr11:108,329,207, C>T. VCF-style: chr11-108329207-C-T. GRCh37 (hg19) VCF-style: chr11-108199934-C-T.
Other names: c.7276C>T, p.Leu2426Phe (NM_001351834.2); c.641-20136G>A (NM_001330368.2); c.*38+6013G>A (NM_001351110.2); short protein forms L2426F.
Identifiers: ClinVar variation 2109109 (VCV002109109.2), dbSNP rs2136422351, ClinGen allele CA382559777.
Genomic context (GRCh38, chr11:108,329,207, plus strand): 5'-AAATCATCGGAATTTGAAAACAAGCAAGCTCTCCTGAAAAGAGCCAAAGAGGAAGTAGGT[C>T]TCCTTAGGGAACATAAAATTCAGACAAACAGGTAACTAGGTTTCTACAAGTGACAATTTT-3'
Protein context (NP_000042.3, residues 2416-2436): LLKRAKEEVG[Leu2426Phe]LREHKIQTNR

ClinVar aggregate classification (germline): Uncertain significance. Review status: criteria provided, multiple submitters, no conflicts (2 of 4 stars). 2 submissions from 2 submitters: Uncertain significance (2). Last evaluated 2025-01-06.

Conditions:
Hereditary cancer-predisposing syndrome. Also called: Tumor predisposition; Hereditary Cancer Syndrome; Hereditary neoplastic syndrome; Neoplastic Syndromes, Hereditary. Identifiers: Orphanet 140162, MedGen C0027672, MeSH D009386, MONDO:0015356.
Ataxia-telangiectasia syndrome (AT). Also called: ATAXIA-TELANGIECTASIA, COMPLEMENTATION GROUP A; ATAXIA-TELANGIECTASIA, FRESNO VARIANT; Ataxia-telangiectasia; Ataxia-telangiectasia, complementation group E; LOUIS-BAR SYNDROME; Cerebello-oculocutaneous telangiectasia. Identifiers: Orphanet 100, MedGen C0004135, MONDO:0008840, OMIM 208900.

Submissions (2):

Ambry Genetics
Classification: Uncertain significance for Hereditary cancer-predisposing syndrome. Last evaluated: 2025-01-06. Review status: criteria provided, single submitter. Criteria: Ambry Variant Classification Scheme 2023. Collection method: clinical testing. Allele origin: germline.
Comment: The p.L2426F variant (also known as c.7276C>T), located in coding exon 48 of the ATM gene, results from a C to T substitution at nucleotide position 7276. The leucine at codon 2426 is replaced by phenylalanine, an amino acid with highly similar properties. This amino acid position is highly conserved in available vertebrate species. In addition, the in silico prediction for this alteration is inconclusive. Based on the available evidence, the clinical significance of this variant remains unclear.

Labcorp Genetics (formerly Invitae), Labcorp
Classification: Uncertain significance for Ataxia-telangiectasia syndrome. Last evaluated: 2022-03-11. Review status: criteria provided, single submitter. Criteria: Invitae Variant Classification Sherloc (09022015). Collection method: clinical testing. Allele origin: germline.
Comment: This sequence change replaces leucine, which is neutral and non-polar, with phenylalanine, which is neutral and non-polar, at codon 2426 of the ATM protein (p.Leu2426Phe). This variant is not present in population databases (gnomAD no frequency). This variant has not been reported in the literature in individuals affected with ATM-related conditions. Advanced modeling of protein sequence and biophysical properties (such as structural, functional, and spatial information, amino acid conservation, physicochemical variation, residue mobility, and thermodynamic stability) performed at Invitae indicates that this missense variant is not expected to disrupt ATM protein function. In summary, the available evidence is currently insufficient to determine the role of this variant in disease. Therefore, it has been classified as a Variant of Uncertain Significance.